The following is an entry in ClinVar:

NM_032447.5(FBN3):c.2548G>A (p.Glu850Lys)

Gene: FBN3 (fibrillin 3; minus strand). Cytogenetic location: 19p13.2.
Variant type: single nucleotide variant.
Coding change: c.2548G>A on transcript NM_032447.5 (MANE Select); coding-DNA position 2548, G replaced by A.
Protein change: p.Glu850Lys; replaces glutamic acid 850 with lysine.
Molecular consequence: missense variant.
Genome position (GRCh38, 1-based): chr19:8,126,474, C>T on the plus strand (G>A on the coding strand, the complement: FBN3 is on the minus strand). VCF-style: chr19-8126474-C-T. GRCh37 (hg19) VCF-style: chr19-8191358-C-T.
Other names: c.2548G>A, p.Glu850Lys (NM_001321431.2); c.2548G>A (NM_032447.3); short protein forms E850K.
Identifiers: ClinVar variation 1389147 (VCV001389147.7), dbSNP rs143646344, ClinGen allele CA9152849.

ClinVar aggregate classification (germline): Uncertain significance. Review status: criteria provided, multiple submitters, no conflicts (2 of 4 stars). 2 submissions from 2 submitters: Uncertain significance (2). Last evaluated 2024-10-16.

Allele frequency attached by ClinVar (database versions not stated): TOPMed 0.00004; gnomAD 0.00006; 1000 Genomes Project 30x 0.00016; 1000 Genomes Project 0.00020.
gnomAD v4.1: 48 of 1,611,836 alleles (0.003%); highest among the groups gnomAD compares: South Asian, 0.033%; no homozygotes.

Submissions (2):

Labcorp Genetics (formerly Invitae), Labcorp
Classification: Uncertain significance. Last evaluated: 2024-10-16. Review status: criteria provided, single submitter. Criteria: Invitae Variant Classification Sherloc (09022015). Collection method: clinical testing. Allele origin: germline.
Comment: This sequence change replaces glutamic acid, which is acidic and polar, with lysine, which is basic and polar, at codon 850 of the FBN3 protein (p.Glu850Lys). This variant is present in population databases (rs143646344, gnomAD 0.05%). This variant has not been reported in the literature in individuals affected with FBN3-related conditions. ClinVar contains an entry for this variant (Variation ID: 1389147). Invitae Evidence Modeling of protein sequence and biophysical properties (such as structural, functional, and spatial information, amino acid conservation, physicochemical variation, residue mobility, and thermodynamic stability) indicates that this missense variant is not expected to disrupt FBN3 protein function with a negative predictive value of 80%. In summary, the available evidence is currently insufficient to determine the role of this variant in disease. Therefore, it has been classified as a Variant of Uncertain Significance.

Ambry Genetics
Classification: Uncertain significance. Last evaluated: 2024-09-10. Review status: criteria provided, single submitter. Criteria: Ambry Variant Classification Scheme 2023. Collection method: clinical testing. Allele origin: germline.